The following is an entry in ClinVar:

ClinVar aggregate classification (germline): Uncertain significance (1 of 4 stars; one submission).

Conditions:
Neurofibromatosis, type 1 (NF1). Also called: Peripheral type neurofibromatosis; VON RECKLINGHAUSEN DISEASE; NEUROFIBROMATOSIS, TYPE I, SOMATIC; Neurofibromatosis, type I. Identifiers: Orphanet 636, MedGen C0027831, MONDO:0018975, OMIM 162200. Disease mechanism: loss of function.

Allele frequency attached by ClinVar (database versions not stated): gnomAD exomes below 0.00001.
gnomAD v4.1: 1 of 1,613,734 alleles (0.000062%); highest among the groups gnomAD compares: South Asian, 0.0011%; no homozygotes.

Submission:

Labcorp Genetics (formerly Invitae), Labcorp
Classification: Uncertain significance for Neurofibromatosis, type 1. Last evaluated: 2025-02-10. Review status: criteria provided, single submitter. Criteria: Invitae Variant Classification Sherloc (09022015). Collection method: clinical testing. Allele origin: germline.
Comment: This sequence change replaces proline, which is neutral and non-polar, with serine, which is neutral and polar, at codon 677 of the NF1 protein (p.Pro677Ser). This variant is not present in population databases (gnomAD no frequency). This variant has not been reported in the literature in individuals affected with NF1-related conditions. ClinVar contains an entry for this variant (Variation ID: 1716659). Invitae Evidence Modeling of protein sequence and biophysical properties (such as structural, functional, and spatial information, amino acid conservation, physicochemical variation, residue mobility, and thermodynamic stability) indicates that this missense variant is not expected to disrupt NF1 protein function with a negative predictive value of 95%. In summary, the available evidence is currently insufficient to determine the role of this variant in disease. Therefore, it has been classified as a Variant of Uncertain Significance.

NM_001042492.3(NF1):c.2029C>T (p.Pro677Ser)

Gene: NF1 (neurofibromin 1; plus strand). Cytogenetic location: 17q11.2.
Variant type: single nucleotide variant.
Coding change: c.2029C>T on transcript NM_001042492.3 (MANE Select); coding-DNA position 2029, C replaced by T.
Protein change: p.Pro677Ser; replaces proline 677 with serine.
Molecular consequence: missense variant.
Genome position (GRCh38, 1-based): chr17:31,226,462, C>T. VCF-style: chr17-31226462-C-T. GRCh37 (hg19) VCF-style: chr17-29553480-C-T.
Other names: c.2029C>T, p.Pro677Ser (NM_000267.4); short protein forms P677S.
Identifiers: ClinVar variation 1716659 (VCV001716659.5), dbSNP rs2151425585, ClinGen allele CA398982043.